The following is an entry in ClinVar:

NM_023110.3(FGFR1):c.1757A>G (p.Asn586Ser)

Gene: FGFR1 (fibroblast growth factor receptor 1; minus strand). Cytogenetic location: 8p11.23.
Variant type: single nucleotide variant.
Coding change: c.1757A>G on transcript NM_023110.3 (MANE Select); coding-DNA position 1757, A replaced by G.
Protein change: p.Asn586Ser; replaces asparagine 586 with serine.
Molecular consequence: missense variant.
Genome position (GRCh38, 1-based): chr8:38,415,967, T>C on the plus strand (A>G on the coding strand, the complement: FGFR1 is on the minus strand). VCF-style: chr8-38415967-T-C. GRCh37 (hg19) VCF-style: chr8-38273485-T-C.
Other names: c.1751A>G, p.Asn584Ser (NM_001174063.2, NM_001174065.2, NM_001354367.2 and 1 more transcripts); c.1727A>G, p.Asn576Ser (NM_001174064.2); c.1490A>G, p.Asn497Ser (NM_001174066.2, NM_023105.3); c.1850A>G, p.Asn617Ser (NM_001174067.2); c.1478A>G, p.Asn493Ser (NM_001354368.2); c.1745A>G, p.Asn582Ser (NM_001354369.2, NM_001410922.1); c.1484A>G, p.Asn495Ser (NM_001354370.2, NM_023106.3); short protein forms N493S, N495S, N497S, N576S, N582S, N584S, N586S, N617S.
Identifiers: ClinVar variation 3363792 (VCV003363792.2).

ClinVar aggregate classification (germline): Uncertain significance (1 of 4 stars; one submission).

gnomAD v4.1: 1 of 1,612,946 alleles (0.000062%); highest among the groups gnomAD compares: Non-Finnish European, 0.000085%; no homozygotes.

Submission:

GeneDx
Classification: Uncertain significance. Last evaluated: 2026-02-26. Review status: criteria provided, single submitter. Criteria: GeneDx Variant Classification Process June 2021. Collection method: clinical testing. Allele origin: germline.
Comment: Not observed at significant frequency in large population cohorts (gnomAD); In silico analysis suggests that this missense variant does not alter protein structure/function; Has not been previously published as pathogenic or benign to our knowledge